The following is an entry in ClinVar:

NM_139076.3(ABRAXAS1):c.332C>T (p.Thr111Met)

Gene: ABRAXAS1 (abraxas 1, BRCA1 A complex subunit; minus strand). Cytogenetic location: 4q21.23.
Variant type: single nucleotide variant.
Coding change: c.332C>T on transcript NM_139076.3 (MANE Select); coding-DNA position 332, C replaced by T.
Protein change: p.Thr111Met; replaces threonine 111 with methionine.
Molecular consequence: missense variant.
Genome position (GRCh38, 1-based): chr4:83,470,347, G>A on the plus strand (C>T on the coding strand, the complement: ABRAXAS1 is on the minus strand). VCF-style: chr4-83470347-G-A. GRCh37 (hg19) VCF-style: chr4-84391500-G-A.
Other names: c.5C>T, p.Thr2Met (NM_001345962.2); short protein forms T111M, T2M.
Identifiers: ClinVar variation 496522 (VCV000496522.14), dbSNP rs1553936765, ClinGen allele CA357260104.

ClinVar aggregate classification (germline): Uncertain significance. Review status: criteria provided, multiple submitters, no conflicts (2 of 4 stars). 3 submissions from 3 submitters: Uncertain significance (3). Last evaluated 2025-02-10.

Allele frequency attached by ClinVar (database versions not stated): TOPMed below 0.00001; gnomAD exomes 0.00001.
gnomAD v4.1: 12 of 1,613,844 alleles (0.00074%); highest among the groups gnomAD compares: South Asian, 0.0033%; no homozygotes.

Submissions (3):

Women's Health and Genetics/Laboratory Corporation of America, LabCorp
Classification: Uncertain significance. Last evaluated: 2025-02-10. Review status: criteria provided, single submitter. Criteria: LabCorp Variant Classification Summary - May 2015. Collection method: clinical testing. Allele origin: germline.
Comment: Variant summary: FAM175A (ABRAXAS1) c.332C>T (p.Thr111Met) results in a non-conservative amino acid change in the encoded protein sequence. Four of five in-silico tools predict a damaging effect of the variant on protein function. The variant was absent in 251184 control chromosomes (gnomAD). The available data on variant occurrences in the general population are insufficient to allow any conclusion about variant significance. c.332C>T has been reported in the literature in an individual affected with breast cancer as well as an unaffected control (Dorling_2021). This report does not provide unequivocal conclusions about association of the variant with Hereditary Breast And Ovarian Cancer Syndrome. To our knowledge, no experimental evidence demonstrating an impact on protein function has been reported. The following publication has been ascertained in the context of this evaluation (PMID: 33471991). ClinVar contains an entry for this variant (Variation ID: 496522). Based on the evidence outlined above, the variant was classified as uncertain significance.

Ambry Genetics
Classification: Uncertain significance. Last evaluated: 2024-02-13. Review status: criteria provided, single submitter. Criteria: Ambry Variant Classification Scheme 2023. Collection method: clinical testing. Allele origin: germline.
Comment: The p.T111M variant (also known as c.332C>T), located in coding exon 5 of the FAM175A gene, results from a C to T substitution at nucleotide position 332. The threonine at codon 111 is replaced by methionine, an amino acid with similar properties. This amino acid position is conserved. In addition, this alteration is predicted to be deleterious by in silico analysis. Since supporting evidence is limited at this time, the clinical significance of this alteration remains unclear.

Labcorp Genetics (formerly Invitae), Labcorp
Classification: Uncertain significance. Last evaluated: 2019-12-19. Review status: criteria provided, single submitter. Criteria: Invitae Variant Classification Sherloc (09022015). Collection method: clinical testing. Allele origin: germline.
Comment: This sequence change replaces threonine with methionine at codon 111 of the ABRAXAS1 protein (p.Thr111Met). The threonine residue is highly conserved and there is a moderate physicochemical difference between threonine and methionine. This variant is not present in population databases (ExAC no frequency). This variant has not been reported in the literature in individuals with ABRAXAS1-related conditions. ClinVar contains an entry for this variant (Variation ID: 496522). Algorithms developed to predict the effect of missense changes on protein structure and function are either unavailable or do not agree on the potential impact of this missense change (SIFT: "Deleterious"; PolyPhen-2: "Probably Damaging"; Align-GVGD: "Class C0"). In summary, the available evidence is currently insufficient to determine the role of this variant in disease. Therefore, it has been classified as a Variant of Uncertain Significance.

Literature cited by the submitters: PubMed 33471991 (cited by Women's Health and Genetics/Laboratory Corporation of America, LabCorp).